The following is an entry in ClinVar:

ClinVar aggregate classification (germline): Likely benign. Review status: criteria provided, multiple submitters, no conflicts (2 of 4 stars). 2 submissions from 2 submitters: Likely benign (2). Last evaluated 2026-02-03.

Allele frequency attached by ClinVar (database versions not stated): TOPMed below 0.00001; ExAC 0.00001; gnomAD exomes 0.00001.
gnomAD v4.1: 4 of 1,612,008 alleles (0.00025%); highest among the groups gnomAD compares: Admixed American, 0.005%; no homozygotes.

Submissions (2):

Labcorp Genetics (formerly Invitae), Labcorp
Classification: Likely benign. Last evaluated: 2026-02-03. Review status: criteria provided, single submitter. Criteria: Invitae Variant Classification Sherloc (09022015). Collection method: clinical testing. Allele origin: germline.

CeGaT Center for Human Genetics Tuebingen
Classification: Likely benign. Last evaluated: 2025-12-01. Review status: criteria provided, single submitter. Criteria: CeGaT Center For Human Genetics Tuebingen Variant Classification Criteria Version 2. Collection method: clinical testing. Allele origin: germline. Affected: yes. Observed: 1 variant allele.
Comment: CLTC: BP4, BP7

NM_004859.4(CLTC):c.2319A>G (p.Pro773=)

Gene: CLTC (clathrin heavy chain; plus strand). Cytogenetic location: 17q23.1.
Variant type: single nucleotide variant.
Coding change: c.2319A>G on transcript NM_004859.4 (MANE Select); coding-DNA position 2319, A replaced by G.
Protein change: p.Pro773=; no amino-acid change (proline 773 retained).
Molecular consequence: synonymous variant.
Genome position (GRCh38, 1-based): chr17:59,673,673, A>G. VCF-style: chr17-59673673-A-G. GRCh37 (hg19) VCF-style: chr17-57751034-A-G.
Other names: c.2331A>G, p.Pro777= (NM_001288653.2).
Identifiers: ClinVar variation 1911146 (VCV001911146.10), dbSNP rs767538143, ClinGen allele CA8681380.